The following is an entry in ClinVar:

ClinVar aggregate classification (germline): Conflicting classifications of pathogenicity. Review status: criteria provided, conflicting classifications (1 of 4 stars). 3 submissions from 3 submitters: Pathogenic (2); Uncertain significance (1). Last evaluated 2025-06-25.

Conditions:
Bethlem myopathy 1A. Also called: MYOPATHY, BENIGN CONGENITAL, WITH CONTRACTURES; Bethlem myopathy 1; Bethlem Muscular Dystrophy. Identifiers: Orphanet 610, MedGen CN029274, MONDO:0024530, OMIM 158810.

Submissions (3):

GeneDx
Classification: Pathogenic. Last evaluated: 2025-06-25. Review status: criteria provided, single submitter. Criteria: GeneDx Variant Classification Process June 2021. Collection method: clinical testing. Allele origin: germline.
Comment: Not observed at significant frequency in large population cohorts (gnomAD); In silico analysis suggests that this missense variant does not alter protein structure/function; This variant is associated with the following publications: (PMID: 30564623, 40219784, 34167565, 28831785, 40225934, Babameto2021[Abstract], 17785673, 33567613)

Labcorp Genetics (formerly Invitae), Labcorp
Classification: Pathogenic for Bethlem myopathy 1A. Last evaluated: 2025-01-25. Review status: criteria provided, single submitter. Criteria: Invitae Variant Classification Sherloc (09022015). Collection method: clinical testing. Allele origin: germline.
Comment: This sequence change replaces lysine, which is basic and polar, with arginine, which is basic and polar, at codon 319 of the COL6A1 protein (p.Lys319Arg). This variant is not present in population databases (gnomAD no frequency). This missense change has been observed in individual(s) with autosomal dominant COL6A1-related conditions (PMID: 28831785, 34167565). It has also been observed to segregate with disease in related individuals. ClinVar contains an entry for this variant (Variation ID: 194039). Experimental studies and prediction algorithms are not available or were not evaluated, and the functional significance of this variant is currently unknown. Algorithms developed to predict the effect of sequence changes on RNA splicing suggest that this variant may disrupt the consensus splice site. For these reasons, this variant has been classified as Pathogenic.

Eurofins Ntd Llc (ga)
Classification: Uncertain significance. Last evaluated: 2017-01-26. Review status: criteria provided, single submitter. Criteria: EGL Classification Definitions 2015. Collection method: clinical testing. Allele origin: germline. Observed: 3 variant alleles, 3 heterozygotes.

Literature cited by the submitters: PubMed 28831785 (cited by Labcorp Genetics (formerly Invitae), Labcorp); PubMed 34167565 (cited by Labcorp Genetics (formerly Invitae), Labcorp); PubMed 17785673 (cited by Eurofins Ntd Llc (ga)).

NM_001848.3(COL6A1):c.956A>G (p.Lys319Arg)

Gene: COL6A1 (collagen type VI alpha 1 chain; plus strand). Cytogenetic location: 21q22.3.
Variant type: single nucleotide variant.
Coding change: c.956A>G on transcript NM_001848.3 (MANE Select); coding-DNA position 956, A replaced by G.
Protein change: p.Lys319Arg; replaces lysine 319 with arginine.
Molecular consequence: missense variant.
Genome position (GRCh38, 1-based): chr21:45,990,283, A>G. VCF-style: chr21-45990283-A-G. GRCh37 (hg19) VCF-style: chr21-47410197-A-G.
Other names: short protein forms K319R.
Identifiers: ClinVar variation 194039 (VCV000194039.16), dbSNP rs794727059, ClinGen allele CA239823.